The following is an entry in ClinVar:

ClinVar aggregate classification (germline): Conflicting classifications of pathogenicity. Review status: criteria provided, conflicting classifications (1 of 4 stars). 2 submissions from 2 submitters: Uncertain significance (1); Likely benign (1). Last evaluated 2024-09-08.

Conditions:
Hereditary sensory and autonomic neuropathy type 7. Also called: Neuropathy, hereditary sensory and autonomic, type VII; HSAN VII. Identifiers: Orphanet 391397, MedGen C3809882, MONDO:0014244, OMIM 615548.
Familial episodic pain syndrome with predominantly lower limb involvement. Also called: Episodic pain syndrome, familial, 3. Identifiers: Orphanet 391384, Orphanet 391392, MedGen C3809899, MONDO:0014247, OMIM 615552.
Inborn genetic diseases. Identifiers: MedGen C0950123, MeSH D030342.

Allele frequency attached by ClinVar (database versions not stated): gnomAD exomes 0.00001; gnomAD 0.00002; TOPMed 0.00003; ExAC 0.00004.
gnomAD v4.1: 22 of 1,601,422 alleles (0.0014%); highest among the groups gnomAD compares: Admixed American, 0.036%; no homozygotes.

Submissions (2):

Labcorp Genetics (formerly Invitae), Labcorp
Classification: Uncertain significance for Familial episodic pain syndrome with predominantly lower limb involvement; Hereditary sensory and autonomic neuropathy type 7. Last evaluated: 2024-09-08. Review status: criteria provided, single submitter. Criteria: Invitae Variant Classification Sherloc (09022015). Collection method: clinical testing. Allele origin: germline.
Comment: This sequence change replaces glycine, which is neutral and non-polar, with alanine, which is neutral and non-polar, at codon 1357 of the SCN11A protein (p.Gly1357Ala). This variant is present in population databases (rs756659644, gnomAD 0.02%). This variant has not been reported in the literature in individuals affected with SCN11A-related conditions. ClinVar contains an entry for this variant (Variation ID: 1737551). Invitae Evidence Modeling of protein sequence and biophysical properties (such as structural, functional, and spatial information, amino acid conservation, physicochemical variation, residue mobility, and thermodynamic stability) indicates that this missense variant is not expected to disrupt SCN11A protein function with a negative predictive value of 80%. In summary, the available evidence is currently insufficient to determine the role of this variant in disease. Therefore, it has been classified as a Variant of Uncertain Significance.

Ambry Genetics
Classification: Likely benign for Inborn genetic diseases. Last evaluated: 2020-12-24. Review status: criteria provided, single submitter. Criteria: Ambry Variant Classification Scheme 2023. Collection method: clinical testing. Allele origin: germline.

NM_001349253.2(SCN11A):c.4070G>C (p.Gly1357Ala)

Gene: SCN11A (sodium voltage-gated channel alpha subunit 11; minus strand). Cytogenetic location: 3p22.2.
Variant type: single nucleotide variant.
Coding change: c.4070G>C on transcript NM_001349253.2 (MANE Select); coding-DNA position 4070, G replaced by C.
Protein change: p.Gly1357Ala; replaces glycine 1357 with alanine.
Molecular consequence: missense variant.
Genome position (GRCh38, 1-based): chr3:38,850,738, C>G on the plus strand (G>C on the coding strand, the complement: SCN11A is on the minus strand). VCF-style: chr3-38850738-C-G. GRCh37 (hg19) VCF-style: chr3-38892229-C-G.
Other names: c.4070G>C, p.Gly1357Ala (NM_014139.3); short protein forms G1357A.
Identifiers: ClinVar variation 1737551 (VCV001737551.7), dbSNP rs756659644, ClinGen allele CA2321606.